The following is an entry in ClinVar:

ClinVar aggregate classification (germline): Conflicting classifications of pathogenicity. Review status: criteria provided, conflicting classifications (1 of 4 stars). 3 submissions from 3 submitters: Pathogenic (1); Uncertain significance (2). Last evaluated 2026-01-06.

Conditions:
ABCA4-related disorder. Also called: ABCA4-related disorders; ABCA4-related condition. Identifiers: MedGen CN239167.

Allele frequency attached by ClinVar (database versions not stated): gnomAD exomes below 0.00001; gnomAD 0.00001; TOPMed 0.00003.
gnomAD v4.1: 15 of 1,613,960 alleles (0.00093%); highest among the groups gnomAD compares: Non-Finnish European, 0.0013%; no homozygotes.

Submissions (3):

Labcorp Genetics (formerly Invitae), Labcorp
Classification: Pathogenic. Last evaluated: 2026-01-06. Review status: criteria provided, single submitter. Criteria: Invitae Variant Classification Sherloc (09022015). Collection method: clinical testing. Allele origin: germline.
Comment: This sequence change replaces valine, which is neutral and non-polar, with isoleucine, which is neutral and non-polar, at codon 1393 of the ABCA4 protein (p.Val1393Ile). This variant is not present in population databases (gnomAD no frequency). This missense change has been observed in individual(s) with ABCA4-related conditions (PMID: 21911583; internal data). In at least one individual the data is consistent with being in trans (on the opposite chromosome) from a pathogenic variant. ClinVar contains an entry for this variant (Variation ID: 1413277). Invitae Evidence Modeling of protein sequence and biophysical properties (such as structural, functional, and spatial information, amino acid conservation, physicochemical variation, residue mobility, and thermodynamic stability) indicates that this missense variant is not expected to disrupt ABCA4 protein function with a negative predictive value of 95%. For these reasons, this variant has been classified as Pathogenic.

PreventionGenetics, part of Exact Sciences
Classification: Uncertain significance for ABCA4-related condition. Last evaluated: 2025-12-18. Review status: criteria provided, single submitter. Criteria: ACMG Guidelines, 2015. Collection method: clinical testing. Allele origin: germline.
Comment: The ABCA4 c.4177G>A variant is predicted to result in the amino acid substitution p.Val1393Ile. This variant was reported in an individual with ABCA4-related retinal disease (Supplementary table 1, Zernant et al. 2011. PubMed ID: 21911583). This variant is reported in 0.00088% of alleles in individuals of European (Non-Finnish) descent in gnomAD. At this time, the clinical significance of this variant is uncertain due to the absence of conclusive functional and genetic evidence.

Blueprint Genetics
Classification: Uncertain significance. Last evaluated: 2023-09-21. Review status: criteria provided, single submitter. Criteria: ACMG Guidelines, 2015. Collection method: clinical testing. Allele origin: germline.

Literature cited by the submitters: PubMed 21911583 (cited by Labcorp Genetics (formerly Invitae), Labcorp).

NM_000350.3(ABCA4):c.4177G>A (p.Val1393Ile)

Gene: ABCA4 (ATP binding cassette subfamily A member 4; minus strand). Cytogenetic location: 1p22.1.
Variant type: single nucleotide variant.
Coding change: c.4177G>A on transcript NM_000350.3 (MANE Select); coding-DNA position 4177, G replaced by A.
Protein change: p.Val1393Ile; replaces valine 1393 with isoleucine.
Molecular consequence: missense variant.
Genome position (GRCh38, 1-based): chr1:94,031,072, C>T on the plus strand (G>A on the coding strand, the complement: ABCA4 is on the minus strand). VCF-style: chr1-94031072-C-T. GRCh37 (hg19) VCF-style: chr1-94496628-C-T.
Other names: c.3955G>A, p.Val1319Ile (NM_001425324.1); c.4177G>A (NM_000350.2); short protein forms V1393I, V1319I.
Identifiers: ClinVar variation 1413277 (VCV001413277.8), dbSNP rs1045163391, ClinGen allele CA26854945.